The following is an entry in ClinVar:

ClinVar aggregate classification (germline): Benign. Review status: criteria provided, multiple submitters, no conflicts (2 of 4 stars). 4 submissions from 4 submitters: Benign (4). Last evaluated 2024-01-24.

Conditions:
Immunodeficiency, common variable, 1. Also called: ANTIBODY DEFICIENCY DUE TO ICOS DEFECT. Identifiers: Orphanet 1572, Orphanet 695183, MedGen C3149378, MONDO:0011864, OMIM 607594.

Allele frequency attached by ClinVar (database versions not stated): 1000 Genomes Project 30x 0.52108; gnomAD exomes 0.60901; TOPMed 0.56924; ESP Exome Variant Server 0.59296; gnomAD 0.57656 and 0.57427; 1000 Genomes Project 0.51538.
gnomAD v4.1: 968,500 of 1,600,854 alleles (60%); highest among the groups gnomAD compares: Non-Finnish European, 63%; 295,952 homozygotes.

Submissions (5):

Unidad de Genómica Garrahan, Hospital de Pediatría Garrahan
Classification: Benign. Last evaluated: 2024-01-24. Review status: criteria provided, single submitter. Criteria: ACMG Guidelines, 2015. Collection method: clinical testing. Allele origin: germline. Affected: no. Observed: 77 variant alleles.
Comment: This variant is classified as Benign based on local population frequency. This variant was detected in 81% of patients studied by a panel of primary immunodeficiencies. Number of patients: 77. Only high quality variants are reported.

Genome-Nilou Lab
Classification: Benign for Immunodeficiency, common variable, 1. Last evaluated: 2021-08-10. Review status: criteria provided, single submitter. Criteria: ACMG Guidelines, 2015. Collection method: clinical testing. Allele origin: germline. Affected: no.

GeneDx
Classification: Benign. Last evaluated: 2018-11-12. Review status: criteria provided, single submitter. Criteria: GeneDx Variant Classification Process June 2021. Collection method: clinical testing. Allele origin: germline. Affected: yes.

Breakthrough Genomics
Classification: Benign. Review status: criteria provided, single submitter. Criteria: ACMG Guidelines, 2015. Collection method: not provided. Allele origin: germline. Inheritance: Autosomal recessive inheritance. Affected: yes.

Dr. Peter K. Rogan Lab, Western University
No classification provided (evidence only). Condition: Hepatocellular carcinoma. Review status: no classification provided. Collection method: in vitro. Allele origin: not applicable. Functional consequence: retained intron. Not counted in ClinVar's aggregate classification.

NM_012092.4(ICOS):c.587-26T>G

Gene: ICOS (inducible T cell costimulator; plus strand). Cytogenetic location: 2q33.2.
Variant type: single nucleotide variant.
Coding change: c.587-26T>G on transcript NM_012092.4 (MANE Select); 26 bases into the intron before coding-DNA position 587, T replaced by G.
Molecular consequence: intron variant.
Genome position (GRCh38, 1-based): chr2:203,959,560, T>G. VCF-style: chr2-203959560-T-G. GRCh37 (hg19) VCF-style: chr2-204824283-T-G.
Other names: NC_000002.11:g.204824283T>G.
Identifiers: ClinVar variation 1285249 (VCV001285249.6), dbSNP rs10172036, ClinGen allele CA2067344.
Genomic context (GRCh38, chr2:203,959,560, plus strand): 5'-GAAAGGCAATGGAGAGGGGAAAGCTTCTTGTAGGGAACTGGCACATGGAGAGCATTTAGA[T>G]AATTTATGCTGAATTTTTGTTACAGATGTGACCCTATAATATGGAACTCTGGCACCCAGG-3'